The following is an entry in ClinVar:

NM_152564.5(VPS13B):c.4256A>G (p.Gln1419Arg)

Gene: VPS13B (vacuolar protein sorting 13 homolog B; plus strand). Cytogenetic location: 8q22.2.
Variant type: single nucleotide variant.
Coding change: c.4256A>G on transcript NM_152564.5 (MANE Select); coding-DNA position 4256, A replaced by G.
Protein change: p.Gln1419Arg; replaces glutamine 1419 with arginine.
Molecular consequence: missense variant.
Genome position (GRCh38, 1-based): chr8:99,511,135, A>G. VCF-style: chr8-99511135-A-G. GRCh37 (hg19) VCF-style: chr8-100523363-A-G.
Other names: c.4331A>G, p.Gln1444Arg (NM_017890.5); short protein forms Q1419R, Q1444R.
Identifiers: ClinVar variation 1015675 (VCV001015675.7), dbSNP rs1189900037, ClinGen allele CA371871233.

ClinVar aggregate classification (germline): Uncertain significance (1 of 4 stars; one submission).

Conditions:
Cohen syndrome (COH1). Also called: PEPPER SYNDROME; Cutis verticis gyrata, retinitis pigmentosa, and sensorineural deafness. Identifiers: Orphanet 193, MedGen C0265223, MONDO:0008999, OMIM 216550.

Allele frequency attached by ClinVar (database versions not stated): TOPMed below 0.00001; gnomAD exomes 0.00005.
gnomAD v4.1: 69 of 1,613,656 alleles (0.0043%); highest among the groups gnomAD compares: Non-Finnish European, 0.0058%; no homozygotes.

Submission:

Labcorp Genetics (formerly Invitae), Labcorp
Classification: Uncertain significance for Cohen syndrome. Last evaluated: 2020-08-23. Review status: criteria provided, single submitter. Criteria: Invitae Variant Classification Sherloc (09022015). Collection method: clinical testing. Allele origin: germline.
Comment: This sequence change replaces glutamine with arginine at codon 1444 of the VPS13B protein (p.Gln1444Arg). The glutamine residue is moderately conserved and there is a small physicochemical difference between glutamine and arginine. This variant is not present in population databases (ExAC no frequency). This variant has not been reported in the literature in individuals with VPS13B-related conditions. Algorithms developed to predict the effect of missense changes on protein structure and function are either unavailable or do not agree on the potential impact of this missense change (SIFT: "Not Available"; PolyPhen-2: "Possibly Damaging"; Align-GVGD: "Not Available"). In summary, the available evidence is currently insufficient to determine the role of this variant in disease. Therefore, it has been classified as a Variant of Uncertain Significance.